The following is an entry in ClinVar:

NM_000444.6(PHEX):c.2207A>G (p.Asn736Ser)

Genes: PHEX (phosphate regulating endopeptidase X-linked; plus strand), PTCHD1-AS (PTCHD1 and PHEX antisense RNA; minus strand). Cytogenetic location: Xp22.11.
Variant type: single nucleotide variant.
Coding change: c.2207A>G on transcript NM_000444.6 (MANE Select); coding-DNA position 2207, A replaced by G.
Protein change: p.Asn736Ser; replaces asparagine 736 with serine.
Molecular consequence: missense variant. On other transcripts: 3 prime UTR variant (1).
Genome position (GRCh38, 1-based): chrX:22,247,910, A>G. VCF-style: chrX-22247910-A-G. GRCh37 (hg19) VCF-style: chrX-22266027-A-G.
Other names: c.*42A>G (NM_001282754.2); short protein forms N736S.
Identifiers: ClinVar variation 1718565 (VCV001718565.5), dbSNP rs367955819, ClinGen allele CA327534658.
Genomic context (GRCh38, chrX:22,247,910, plus strand): 5'-GGGTCAATGGTGCAATTAGTAACTTTGAAGAATTCCAGAAAGCTTTTAACTGTCCACCCA[A>G]TTCCACGATGAACAGAGGCATGGACTCCTGCCGACTCTGGTAGCTGGGACGCTGGTTTAT-3'
Protein context (NP_000435.3, residues 726-746): EFQKAFNCPP[Asn736Ser]STMNRGMDSC

ClinVar aggregate classification (germline): Uncertain significance (1 of 4 stars; one submission).

Allele frequency attached by ClinVar (database versions not stated): ESP Exome Variant Server 0.00009.
gnomAD v4.1: 2 of 1,209,803 alleles (0.00017%); highest among the groups gnomAD compares: African/African-American, 0.0017%; no homozygotes.

Submission:

Labcorp Genetics (formerly Invitae), Labcorp
Classification: Uncertain significance. Last evaluated: 2022-09-01. Review status: criteria provided, single submitter. Criteria: Invitae Variant Classification Sherloc (09022015). Collection method: clinical testing. Allele origin: germline.
Comment: This sequence change replaces asparagine, which is neutral and polar, with serine, which is neutral and polar, at codon 736 of the PHEX protein (p.Asn736Ser). This variant is not present in population databases (gnomAD no frequency). This missense change has been observed in individual(s) with hypophosphatemic rickets (Invitae). Advanced modeling of protein sequence and biophysical properties (such as structural, functional, and spatial information, amino acid conservation, physicochemical variation, residue mobility, and thermodynamic stability) performed at Invitae indicates that this missense variant is not expected to disrupt PHEX protein function. In summary, the available evidence is currently insufficient to determine the role of this variant in disease. Therefore, it has been classified as a Variant of Uncertain Significance.